The following is an entry in ClinVar:

NM_015378.4(VPS13D):c.5726-12T>C

Gene: VPS13D (vacuolar protein sorting 13 homolog D; plus strand). Cytogenetic location: 1p36.22.
Variant type: single nucleotide variant.
Coding change: c.5726-12T>C on transcript NM_015378.4 (MANE Select); 12 bases into the intron before coding-DNA position 5726, T replaced by C.
Molecular consequence: intron variant.
Genome position (GRCh38, 1-based): chr1:12,290,986, T>C. VCF-style: chr1-12290986-T-C. GRCh37 (hg19) VCF-style: chr1-12351043-T-C.
Other names: c.5726-12T>C (NM_018156.4).
Identifiers: ClinVar variation 1959367 (VCV001959367.5), dbSNP rs2524091596, ClinGen allele CA2580060578.

ClinVar aggregate classification (germline): Uncertain significance (1 of 4 stars; one submission).

Submission:

Labcorp Genetics (formerly Invitae), Labcorp
Classification: Uncertain significance. Last evaluated: 2023-07-17. Review status: criteria provided, single submitter. Criteria: Invitae Variant Classification Sherloc (09022015). Collection method: clinical testing. Allele origin: germline.
Comment: In summary, the available evidence is currently insufficient to determine the role of this variant in disease. Therefore, it has been classified as a Variant of Uncertain Significance. Algorithms developed to predict the effect of sequence changes on RNA splicing suggest that this variant may disrupt the consensus splice site. ClinVar contains an entry for this variant (Variation ID: 1959367). This variant has not been reported in the literature in individuals affected with VPS13D-related conditions. This variant is not present in population databases (gnomAD no frequency). This sequence change falls in intron 22 of the VPS13D gene. It does not directly change the encoded amino acid sequence of the VPS13D protein.